The following is an entry in ClinVar:

ClinVar aggregate classification (germline): Uncertain significance (1 of 4 stars; one submission).

Conditions:
Joubert syndrome. Also called: Familial aplasia of the vermis; CEREBELLOPARENCHYMAL DISORDER IV; JOUBERT-BOLTSHAUSER SYNDROME. Identifiers: Orphanet 475, MedGen C5979921, MONDO:0018772.

Submission:

Labcorp Genetics (formerly Invitae), Labcorp
Classification: Uncertain significance for Joubert syndrome. Last evaluated: 2017-07-26. Review status: criteria provided, single submitter. Criteria: Invitae Variant Classification Sherloc (09022015). Collection method: clinical testing. Allele origin: germline.
Comment: This variant is not present in population databases (ExAC no frequency). This sequence change replaces leucine with isoleucine at codon 616 of the INPP5E protein (p.Leu616Ile). The leucine residue is weakly conserved and there is a small physicochemical difference between leucine and isoleucine. In summary, the available evidence is currently insufficient to determine the role of this variant in disease. Therefore, it has been classified as a Variant of Uncertain Significance. Algorithms developed to predict the effect of missense changes on protein structure and function output the following: SIFT: "Tolerated"; PolyPhen-2: "Benign"; Align-GVGD: "Class C0". The isoleucine amino acid residue is found in multiple mammalian species, suggesting that this missense change does not adversely affect protein function. These predictions have not been confirmed by published functional studies and their clinical significance is uncertain. This variant has not been reported in the literature in individuals with INPP5E-related disease.

NM_019892.6(INPP5E):c.1846C>A (p.Leu616Ile)

Gene: INPP5E (inositol polyphosphate-5-phosphatase E; minus strand). Cytogenetic location: 9q34.3.
Variant type: single nucleotide variant.
Coding change: c.1846C>A on transcript NM_019892.6 (MANE Select); coding-DNA position 1846, C replaced by A.
Protein change: p.Leu616Ile; replaces leucine 616 with isoleucine.
Molecular consequence: missense variant.
Genome position (GRCh38, 1-based): chr9:136,429,764, G>T on the plus strand (C>A on the coding strand, the complement: INPP5E is on the minus strand). VCF-style: chr9-136429764-G-T. GRCh37 (hg19) VCF-style: chr9-139324216-G-T.
Other names: c.1843C>A, p.Leu615Ile (NM_001318502.2); short protein forms L616I, L615I.
Identifiers: ClinVar variation 575568 (VCV000575568.9), dbSNP rs1564430711, ClinGen allele CA375560303.